The following is an entry in ClinVar:

NM_015338.6(ASXL1):c.739G>T (p.Gly247Trp)

Gene: ASXL1 (ASXL transcriptional regulator 1; plus strand). Cytogenetic location: 20q11.21.
Variant type: single nucleotide variant.
Coding change: c.739G>T on transcript NM_015338.6 (MANE Select); coding-DNA position 739, G replaced by T.
Protein change: p.Gly247Trp; replaces glycine 247 with tryptophan.
Molecular consequence: missense variant.
Genome position (GRCh38, 1-based): chr20:32,431,341, G>T. VCF-style: chr20-32431341-G-T. GRCh37 (hg19) VCF-style: chr20-31019144-G-T.
Other names: c.556G>T, p.Gly186Trp (NM_001363734.1); short protein forms G186W, G247W.
Identifiers: ClinVar variation 2804194 (VCV002804194.4), dbSNP rs1179449889, ClinGen allele CA408553434.

ClinVar aggregate classification (germline): Uncertain significance. Review status: criteria provided, multiple submitters, no conflicts (2 of 4 stars). 2 submissions from 2 submitters: Uncertain significance (2). Last evaluated 2025-02-15.

Conditions:
Inborn genetic diseases. Identifiers: MedGen C0950123, MeSH D030342.

Allele frequency attached by ClinVar (database versions not stated): gnomAD exomes below 0.00001; TOPMed below 0.00001; gnomAD 0.00001.
gnomAD v4.1: 2 of 1,614,096 alleles (0.00012%); highest among the groups gnomAD compares: Non-Finnish European, 0.00017%; no homozygotes.

Submissions (2):

Ambry Genetics
Classification: Uncertain significance for Inborn genetic diseases. Last evaluated: 2025-02-15. Review status: criteria provided, single submitter. Criteria: Ambry Variant Classification Scheme 2023. Collection method: clinical testing. Allele origin: germline.
Comment: The p.G247W variant (also known as c.739G>T), located in coding exon 9 of the ASXL1 gene, results from a G to T substitution at nucleotide position 739. The glycine at codon 247 is replaced by tryptophan, an amino acid with highly dissimilar properties. This amino acid position is conserved. In addition, this alteration is predicted to be tolerated by in silico analysis. Based on the available evidence, the clinical significance of this variant remains unclear.

Labcorp Genetics (formerly Invitae), Labcorp
Classification: Uncertain significance. Last evaluated: 2024-09-05. Review status: criteria provided, single submitter. Criteria: Invitae Variant Classification Sherloc (09022015). Collection method: clinical testing. Allele origin: germline.
Comment: This sequence change replaces glycine, which is neutral and non-polar, with tryptophan, which is neutral and slightly polar, at codon 247 of the ASXL1 protein (p.Gly247Trp). This variant is not present in population databases (gnomAD no frequency). This variant has not been reported in the literature in individuals affected with ASXL1-related conditions. An algorithm developed to predict the effect of missense changes on protein structure and function (PolyPhen-2) suggests that this variant is likely to be disruptive. In summary, the available evidence is currently insufficient to determine the role of this variant in disease. Therefore, it has been classified as a Variant of Uncertain Significance.